The following is an entry in ClinVar:

NM_000092.5(COL4A4):c.1225C>T (p.Pro409Ser)

Gene: COL4A4 (collagen type IV alpha 4 chain; minus strand). Cytogenetic location: 2q36.3.
Variant type: single nucleotide variant.
Coding change: c.1225C>T on transcript NM_000092.5 (MANE Select); coding-DNA position 1225, C replaced by T.
Protein change: p.Pro409Ser; replaces proline 409 with serine.
Molecular consequence: missense variant.
Genome position (GRCh38, 1-based): chr2:227,094,269, G>A on the plus strand (C>T on the coding strand, the complement: COL4A4 is on the minus strand). VCF-style: chr2-227094269-G-A. GRCh37 (hg19) VCF-style: chr2-227958985-G-A.
Other names: short protein forms P409S.
Identifiers: ClinVar variation 499481 (VCV000499481.9), dbSNP rs377292825, ClinGen allele CA2145234.
Genomic context (GRCh38, chr2:227,094,269, plus strand): 5'-CAGGTCTCCCAGGAATACCAGCTTCTCCTGGAAGCCCAGGAAGACCAGGAAATCCTTGTG[G>A]CCCAGGGGGTCCTATCATGCCTGCAAGATAAATCAAGAATGAAAATTACATATACTCTCA-3'
Protein context (NP_000083.3, residues 399-419): ACAGMIGPPG[Pro409Ser]QGFPGLPGLP

ClinVar aggregate classification (germline): Uncertain significance. Review status: criteria provided, multiple submitters, no conflicts (2 of 4 stars). 4 submissions from 4 submitters: Uncertain significance (4). Last evaluated 2026-09-11.

Conditions:
Inborn genetic diseases. Identifiers: MedGen C0950123, MeSH D030342.

Allele frequency attached by ClinVar (database versions not stated): gnomAD 0.00001; gnomAD exomes 0.00002; TOPMed 0.00002; ExAC 0.00003; ESP Exome Variant Server 0.00008.
gnomAD v4.1: 34 of 1,613,676 alleles (0.0021%); highest among the groups gnomAD compares: South Asian, 0.0055%; no homozygotes.

Submissions (4):

Ambry Genetics
Classification: Uncertain significance for Inborn genetic diseases. Last evaluated: 2026-09-11. Review status: criteria provided, single submitter. Criteria: Ambry Variant Classification Scheme 2023. Collection method: clinical testing. Allele origin: germline.

Labcorp Genetics (formerly Invitae), Labcorp
Classification: Uncertain significance. Last evaluated: 2022-01-03. Review status: criteria provided, single submitter. Criteria: Invitae Variant Classification Sherloc (09022015). Collection method: clinical testing. Allele origin: germline.
Comment: This sequence change replaces proline, which is neutral and non-polar, with serine, which is neutral and polar, at codon 409 of the COL4A4 protein (p.Pro409Ser). This variant is present in population databases (rs377292825, gnomAD 0.01%). This missense change has been observed in individual(s) with clinical features of Alport syndrome (Invitae). ClinVar contains an entry for this variant (Variation ID: 499481). Advanced modeling of protein sequence and biophysical properties (such as structural, functional, and spatial information, amino acid conservation, physicochemical variation, residue mobility, and thermodynamic stability) performed at Invitae indicates that this missense variant is not expected to disrupt COL4A4 protein function. In summary, the available evidence is currently insufficient to determine the role of this variant in disease. Therefore, it has been classified as a Variant of Uncertain Significance.

GeneDx
Classification: Uncertain significance. Last evaluated: 2021-12-01. Review status: criteria provided, single submitter. Criteria: GeneDx Variant Classification Process June 2021. Collection method: clinical testing. Allele origin: germline. Affected: yes.
Comment: In silico analysis supports that this missense variant has a deleterious effect on protein structure/function; Occurs in the triple helical domain at the X position in the canonical Gly-X-Y repeat; although this variant may have an effect on normal protein folding and function, missense substitution at the X position is not a common mechanism of disease; Has not been previously published as pathogenic or benign to our knowledge

Eurofins Ntd Llc (ga)
Classification: Uncertain significance. Last evaluated: 2017-01-19. Review status: criteria provided, single submitter. Criteria: EGL Classification Definitions 2015. Collection method: clinical testing. Allele origin: germline. Observed: 1 variant allele, 1 heterozygote.